The following is an entry in ClinVar:

NM_001199799.2(ILDR1):c.317G>A (p.Arg106Gln)

Gene: ILDR1 (immunoglobulin like domain containing receptor 1; minus strand). Cytogenetic location: 3q13.33.
Variant type: single nucleotide variant.
Coding change: c.317G>A on transcript NM_001199799.2 (MANE Select); coding-DNA position 317, G replaced by A.
Protein change: p.Arg106Gln; replaces arginine 106 with glutamine.
Molecular consequence: missense variant.
Genome position (GRCh38, 1-based): chr3:122,005,306, C>T on the plus strand (G>A on the coding strand, the complement: ILDR1 is on the minus strand). VCF-style: chr3-122005306-C-T. GRCh37 (hg19) VCF-style: chr3-121724153-C-T.
Other names: c.317G>A, p.Arg106Gln (NM_001199800.2, NM_175924.4); c.317G>A (NM_001199799.1); short protein forms R106Q.
Identifiers: ClinVar variation 2195601 (VCV002195601.2), dbSNP rs780729507, ClinGen allele CA2568977.

ClinVar aggregate classification (germline): Uncertain significance. Review status: criteria provided, multiple submitters, no conflicts (2 of 4 stars). 2 submissions from 2 submitters: Uncertain significance (2). Last evaluated 2023-03-01.

Allele frequency attached by ClinVar (database versions not stated): gnomAD 0.00003; gnomAD exomes 0.00003; TOPMed 0.00003; ExAC 0.00008.

Submissions (2):

GeneDx
Classification: Uncertain significance. Last evaluated: 2023-03-01. Review status: criteria provided, single submitter. Criteria: GeneDx Variant Classification Process June 2021. Collection method: clinical testing. Allele origin: germline. Affected: yes.
Comment: In silico analysis supports that this missense variant does not alter protein structure/function; Has not been previously published as pathogenic or benign to our knowledge

Labcorp Genetics (formerly Invitae), Labcorp
Classification: Uncertain significance. Last evaluated: 2022-02-24. Review status: criteria provided, single submitter. Criteria: Invitae Variant Classification Sherloc (09022015). Collection method: clinical testing. Allele origin: germline.
Comment: This sequence change replaces arginine, which is basic and polar, with glutamine, which is neutral and polar, at codon 106 of the ILDR1 protein (p.Arg106Gln). This variant is present in population databases (rs780729507, gnomAD 0.2%). This variant has not been reported in the literature in individuals affected with ILDR1-related conditions. Algorithms developed to predict the effect of missense changes on protein structure and function are either unavailable or do not agree on the potential impact of this missense change (SIFT: "Deleterious"; PolyPhen-2: "Probably Damaging"; Align-GVGD: "Class C0"). In summary, the available evidence is currently insufficient to determine the role of this variant in disease. Therefore, it has been classified as a Variant of Uncertain Significance.